The following is an entry in ClinVar:

ClinVar aggregate classification (germline): Uncertain significance (1 of 4 stars; one submission).

Conditions:
Familial thoracic aortic aneurysm and aortic dissection (TAAD). Also called: Thoracic aortic aneurysms and dissections. Identifiers: Orphanet 91387, MedGen C4707243, MONDO:0019625.

Submission:

Color Diagnostics, LLC DBA Color Health
Classification: Uncertain significance for Familial thoracic aortic aneurysm and aortic dissection. Last evaluated: 2025-05-30. Review status: criteria provided, single submitter. Criteria: ACMG Guidelines, 2015. Collection method: clinical testing. Allele origin: germline.
Comment: This variant deletes two nucleotides in intron 1 of the TGFBR1 gene. To our knowledge, functional studies have not been reported for this variant. This variant has not been reported in individuals affected with TGFBR1-related disorders in the literature. This variant has been identified in 1/250486 chromosomes in the general population by the Genome Aggregation Database (gnomAD). The available evidence is insufficient to determine the role of this variant in disease conclusively. Therefore, this variant is classified as a Variant of Uncertain Significance.

NM_004612.4(TGFBR1):c.98-6_98-5del

Gene: TGFBR1 (transforming growth factor beta receptor 1; plus strand). Cytogenetic location: 9q22.33.
Variant type: Deletion.
Coding change: c.98-6_98-5del on transcript NM_004612.4 (MANE Select); 6 bases into the intron before coding-DNA position 98 through 5 bases into the intron before coding-DNA position 98, 2 bases deleted (TT; older notation c.98-6_98-5delTT).
Molecular consequence: intron variant.
Genome position (GRCh38, 1-based): chr9:99,128,849-99,128,850, TT deleted; deleting any 2 consecutive bases within chr9:99,128,846-99,128,850 gives the same sequence; the c. name uses the placement nearest the transcript's 3' end. VCF-style (leftmost placement, unchanged base first): chr9-99128845-CTT-C. GRCh37 (hg19) VCF-style: chr9-101891127-CTT-C.
Other names: c.-110-6_-110-5del (NM_001407418.1, NM_001407423.1, NM_001407424.1 and 12 more transcripts); c.98-6_98-5del (NM_001306210.2, NM_001407416.1, NM_001407417.1 and 2 more transcripts); c.98-3660_98-3659del (NM_001407436.1); c.98-9010_98-9009del (NM_001407438.1); c.98-13687_98-13686del (NM_001407437.1).
Identifiers: ClinVar variation 4758716 (VCV004758716.1).